The following is an entry in ClinVar:

ClinVar aggregate classification (germline): Benign/Likely benign. Review status: criteria provided, multiple submitters, no conflicts (2 of 4 stars). 4 submissions from 4 submitters: Benign (3); Likely benign (1). Last evaluated 2026-01-26.

Conditions:
Hereditary cancer-predisposing syndrome. Also called: Neoplastic Syndromes, Hereditary; Tumor predisposition; Hereditary Cancer Syndrome; Hereditary neoplastic syndrome. Identifiers: Orphanet 140162, MedGen C0027672, MeSH D009386, MONDO:0015356.
Carney complex, type 1 (CNC1). Also called: CARNEY MYXOMA-ENDOCRINE COMPLEX; CARNEY COMPLEX, TYPE I. Identifiers: Orphanet 1359, MedGen C2607929, MONDO:0008057, OMIM 160980.

Allele frequency attached by ClinVar (database versions not stated): gnomAD exomes 0.00003 and 0.00008; ExAC 0.00012; gnomAD 0.00031 and 0.00034; TOPMed 0.00034; ESP Exome Variant Server 0.00046.
gnomAD v4.1: 90 of 1,613,522 alleles (0.0056%); highest among the groups gnomAD compares: African/African-American, 0.1%; no homozygotes.

Submissions (4):

Labcorp Genetics (formerly Invitae), Labcorp
Classification: Benign for Carney complex, type 1. Last evaluated: 2026-01-26. Review status: criteria provided, single submitter. Criteria: Invitae Variant Classification Sherloc (09022015). Collection method: clinical testing. Allele origin: germline.

Blueprint Genetics
Classification: Likely benign. Last evaluated: 2022-09-09. Review status: criteria provided, single submitter. Criteria: ACMG Guidelines, 2015. Collection method: clinical testing. Allele origin: germline.

Sema4
Classification: Benign for Hereditary cancer-predisposing syndrome. Last evaluated: 2020-12-08. Review status: criteria provided, single submitter. Criteria: Sema4 Curation Guidelines. Collection method: curation. Allele origin: germline.

Women's Health and Genetics/Laboratory Corporation of America, LabCorp
Classification: Benign. Last evaluated: 2017-05-26. Review status: criteria provided, single submitter. Criteria: LabCorp Variant Classification Summary - May 2015. Collection method: clinical testing. Allele origin: germline.
Comment: Variant summary: The PRKAR1A c.550-8C>T variant involves the alteration of a non-conserved intronic nucleotide and 5/5 splice prediction tools predict no significant impact on normal splicing. However, these predictions have yet to be confirmed by functional studies. This variant was found in 14/121380 control chromosomes, predominantly in the African cohort at a frequency of 0.001249 (13/10406). This frequency is about 666 times the estimated maximal expected allele frequency of a pathogenic PRKAR1A variant (0.0000019). Therefore, suggesting this is likely a benign polymorphism found primarily in population(s) of African origin. A clinical diagnostic laboratory classified this variant as likely benign. The variant of interest has not, to our knowledge, been reported in affected individuals via publications and/or reputable databases/clinical diagnostic laboratories; nor evaluated for functional impact by in vivo/vitro studies. Taken together, this variant is classified as benign.

NM_002734.5(PRKAR1A):c.550-8C>T

Gene: PRKAR1A (protein kinase cAMP-dependent type I regulatory subunit alpha; plus strand). Cytogenetic location: 17q24.2.
Variant type: single nucleotide variant.
Coding change: c.550-8C>T on transcript NM_002734.5 (MANE Select); 8 bases into the intron before coding-DNA position 550, C replaced by T.
Molecular consequence: intron variant.
Genome position (GRCh38, 1-based): chr17:68,525,746, C>T. VCF-style: chr17-68525746-C-T. GRCh37 (hg19) VCF-style: chr17-66521887-C-T.
Other names: c.550-8C>T (NM_001278433.2, NM_001369389.1, NM_212471.3 and 4 more transcripts).
Identifiers: ClinVar variation 413788 (VCV000413788.14), dbSNP rs375936679, ClinGen allele CA8729316.